The following is an entry in ClinVar:

NM_013386.5(SLC25A24):c.830A>C (p.Lys277Thr)

Gene: SLC25A24 (solute carrier family 25 member 24; minus strand). Cytogenetic location: 1p13.3.
Variant type: single nucleotide variant.
Coding change: c.830A>C on transcript NM_013386.5 (MANE Select); coding-DNA position 830, A replaced by C.
Protein change: p.Lys277Thr; replaces lysine 277 with threonine.
Molecular consequence: missense variant.
Genome position (GRCh38, 1-based): chr1:108,148,379, T>G on the plus strand (A>C on the coding strand, the complement: SLC25A24 is on the minus strand). VCF-style: chr1-108148379-T-G. GRCh37 (hg19) VCF-style: chr1-108691001-T-G.
Other names: c.773A>C, p.Lys258Thr (NM_213651.3); short protein forms K258T, K277T.
Identifiers: ClinVar variation 3391564 (VCV003391564.1).

ClinVar aggregate classification (germline): Uncertain significance (1 of 4 stars; one submission).

Submission:

GeneDx
Classification: Uncertain significance. Last evaluated: 2024-06-18. Review status: criteria provided, single submitter. Criteria: GeneDx Variant Classification Process June 2021. Collection method: clinical testing. Allele origin: germline. Affected: yes.
Comment: Not observed at significant frequency in large population cohorts (gnomAD); In silico analysis supports that this missense variant has a deleterious effect on protein structure/function; Has not been previously published as pathogenic or benign to our knowledge